The following is an entry in ClinVar:

ClinVar aggregate classification (germline): Uncertain significance. Review status: criteria provided, multiple submitters, no conflicts (2 of 4 stars). 4 submissions from 4 submitters: Uncertain significance (4). Last evaluated 2023-10-16.

Conditions:
Nephronophthisis 3 (NPHP3). Also called: Adolescent nephronophthisis. Identifiers: Orphanet 655, MedGen C1858392, MONDO:0011456, OMIM 604387.
NPHP3-related Meckel-like syndrome. Also called: GOLDSTON SYNDROME; Meckel syndrome type 7. Identifiers: Orphanet 3032, MedGen C2673885, MONDO:0009966, OMIM 267010.
Renal-hepatic-pancreatic dysplasia 1 (RHPD1). Identifiers: MedGen C3715199, MONDO:0008833, OMIM 208540.
Nephronophthisis. Also called: Juvenile Nephronophthisis. Identifiers: Orphanet 655, MedGen C0687120, MONDO:0019005, HP:0000090.

Allele frequency attached by ClinVar (database versions not stated): gnomAD 0.00002; gnomAD exomes 0.00002 and 0.00005; TOPMed 0.00003; ExAC 0.00005.
gnomAD v4.1: 25 of 1,613,780 alleles (0.0015%); highest among the groups gnomAD compares: Admixed American, 0.02%; no homozygotes.

Submissions (4):

GeneDx
Classification: Uncertain significance. Last evaluated: 2023-10-16. Review status: criteria provided, single submitter. Criteria: GeneDx Variant Classification Process June 2021. Collection method: clinical testing. Allele origin: germline. Affected: yes.
Comment: In silico analysis supports that this missense variant does not alter protein structure/function; In silico analysis supports a deleterious effect on splicing; Has not been previously published as pathogenic or benign to our knowledge

Blueprint Genetics
Classification: Uncertain significance. Last evaluated: 2023-06-01. Review status: criteria provided, single submitter. Criteria: ACMG Guidelines, 2015. Collection method: clinical testing. Allele origin: germline.

Labcorp Genetics (formerly Invitae), Labcorp
Classification: Uncertain significance for Nephronophthisis. Last evaluated: 2022-10-17. Review status: criteria provided, single submitter. Criteria: Invitae Variant Classification Sherloc (09022015). Collection method: clinical testing. Allele origin: germline.
Comment: This sequence change replaces glycine, which is neutral and non-polar, with arginine, which is basic and polar, at codon 1069 of the NPHP3 protein (p.Gly1069Arg). This variant is present in population databases (rs752118322, gnomAD 0.03%). This variant has not been reported in the literature in individuals affected with NPHP3-related conditions. ClinVar contains an entry for this variant (Variation ID: 1183890). Advanced modeling of protein sequence and biophysical properties (such as structural, functional, and spatial information, amino acid conservation, physicochemical variation, residue mobility, and thermodynamic stability) performed at Invitae indicates that this missense variant is not expected to disrupt NPHP3 protein function. Algorithms developed to predict the effect of sequence changes on RNA splicing suggest that this variant may create or strengthen a splice site. In summary, the available evidence is currently insufficient to determine the role of this variant in disease. Therefore, it has been classified as a Variant of Uncertain Significance.

Fulgent Genetics
Classification: Uncertain significance for Renal-hepatic-pancreatic dysplasia 1; NPHP3-related Meckel-like syndrome; Nephronophthisis 3. Last evaluated: 2022-01-12. Review status: criteria provided, single submitter. Criteria: ACMG Guidelines, 2015. Collection method: clinical testing. Allele origin: unknown.

NM_153240.5(NPHP3):c.3205G>A (p.Gly1069Arg)

Genes: NPHP3 (nephrocystin 3; minus strand), NPHP3-ACAD11 (NPHP3-ACAD11 readthrough (NMD candidate); minus strand). Cytogenetic location: 3q22.1.
Variant type: single nucleotide variant.
Coding change: c.3205G>A on transcript NM_153240.5 (MANE Select); coding-DNA position 3205, G replaced by A.
Protein change: p.Gly1069Arg; replaces glycine 1069 with arginine.
Molecular consequence: missense variant. On other transcripts: non-coding transcript variant (1).
Genome position (GRCh38, 1-based): chr3:132,686,384, C>T on the plus strand (G>A on the coding strand, the complement: NPHP3 is on the minus strand). VCF-style: chr3-132686384-C-T. GRCh37 (hg19) VCF-style: chr3-132405228-C-T.
Other names: short protein forms G1069R.
Identifiers: ClinVar variation 1183890 (VCV001183890.8), dbSNP rs752118322, ClinGen allele CA2621800.
Genomic context (GRCh38, chr3:132,686,384, plus strand): 5'-TGTCCTTACCTAATGTAAGCTCTTCTAACTGTAAAGCCCGTCTACGTAAAAGGGCAAATC[C>T]GTACTGCAGCAAACATGAAAAATGAAAAGCAATCACTAAGTAGGTGCAATCCTTGATTCT-3'
Protein context (NP_694972.3, residues 1059-1079): KAIKKKGNLY[Gly1069Arg]FALLRRRALQ